The following is an entry in ClinVar:

NM_004260.4(RECQL4):c.1038_1039del (p.Arg347fs)

Gene: RECQL4 (RecQ like helicase 4; minus strand). Cytogenetic location: 8q24.3.
Variant type: Deletion.
Coding change: c.1038_1039del on transcript NM_004260.4 (MANE Select); coding-DNA positions 1038 to 1039, 2 bases deleted (CC; older notation c.1038_1039delCC).
Protein change: p.Arg347fs; shifts the reading frame from arginine 347.
Molecular consequence: frameshift variant.
Genome position (GRCh38, 1-based): chr8:144,516,080-144,516,081, GG deleted on the plus strand (CC on the coding strand, the reverse complement: RECQL4 is on the minus strand); deleting any 2 consecutive bases within chr8:144,516,080-144,516,082 gives the same sequence; the c. name uses the placement nearest the transcript's 3' end. VCF-style (leftmost placement, unchanged base first): chr8-144516079-CGG-C. GRCh37 (hg19) VCF-style: chr8-145741463-CGG-C.
Other names: short protein forms R347fs.
Identifiers: ClinVar variation 804413 (VCV000804413.9), dbSNP rs1586821679, ClinGen allele CA915947401.

ClinVar aggregate classification (germline): Pathogenic/Likely pathogenic. Review status: criteria provided, multiple submitters, no conflicts (2 of 4 stars). 2 submissions from 2 submitters: Pathogenic (1); Likely pathogenic (1). Last evaluated 2019-06-20.

Conditions:
Baller-Gerold syndrome (BGS). Also called: CRANIOSYNOSTOSIS WITH RADIAL DEFECTS. Identifiers: Orphanet 1225, MedGen C0265308, MONDO:0009039, OMIM 218600.
Rothmund-Thomson syndrome type 2 (RTS2). Identifiers: Orphanet 221016, MedGen C5203410, MONDO:0016369, OMIM 268400.
Rapadilino syndrome. Identifiers: Orphanet 3021, MedGen C1849453, MONDO:0009955, OMIM 266280.

Submissions (2):

Hadassah Hebrew University Medical Center
Classification: Likely pathogenic for Baller-Gerold syndrome; Rapadilino syndrome; Rothmund-Thomson syndrome type 2. Last evaluated: 2019-06-20. Review status: criteria provided, single submitter. Criteria: ACMG Guidelines, 2015. Collection method: clinical testing. Allele origin: germline. Inheritance: Autosomal recessive inheritance. Affected: yes.

Labcorp Genetics (formerly Invitae), Labcorp
Classification: Pathogenic for Baller-Gerold syndrome. Last evaluated: 2019-03-25. Review status: criteria provided, single submitter. Criteria: Invitae Variant Classification Sherloc (09022015). Collection method: clinical testing. Allele origin: germline.
Comment: For these reasons, this variant has been classified as Pathogenic. Loss-of-function variants in RECQL4 are known to be pathogenic (PMID: 12734318, 12952869). This variant has not been reported in the literature in individuals with RECQL4-related conditions. This variant is not present in population databases (ExAC no frequency). This sequence change creates a premature translational stop signal (p.Arg347Profs*2) in the RECQL4 gene. It is expected to result in an absent or disrupted protein product.

Literature cited by the submitters: PubMed 12734318 (cited by Labcorp Genetics (formerly Invitae), Labcorp); PubMed 12952869 (cited by Labcorp Genetics (formerly Invitae), Labcorp).